The following is an entry in ClinVar:

ClinVar aggregate classification (germline): Uncertain significance (1 of 4 stars; one submission).

Conditions:
Inborn genetic diseases. Identifiers: MedGen C0950123, MeSH D030342.

Submission:

Ambry Genetics
Classification: Uncertain significance for Inborn genetic diseases. Last evaluated: 2025-08-05. Review status: criteria provided, single submitter. Criteria: Ambry Variant Classification Scheme 2023. Collection method: clinical testing. Allele origin: germline.
Comment: The p.G1048V variant (also known as c.3143G>T), located in coding exon 13 of the ASXL1 gene, results from a G to T substitution at nucleotide position 3143. The glycine at codon 1048 is replaced by valine, an amino acid with dissimilar properties. This amino acid position is conserved. In addition, this alteration is predicted to be tolerated by in silico analysis. Based on the available evidence, the clinical significance of this variant remains unclear.

NM_015338.6(ASXL1):c.3143G>T (p.Gly1048Val)

Gene: ASXL1 (ASXL transcriptional regulator 1; plus strand). Cytogenetic location: 20q11.21.
Variant type: single nucleotide variant.
Coding change: c.3143G>T on transcript NM_015338.6 (MANE Select); coding-DNA position 3143, G replaced by T.
Protein change: p.Gly1048Val; replaces glycine 1048 with valine.
Molecular consequence: missense variant.
Genome position (GRCh38, 1-based): chr20:32,435,855, G>T. VCF-style: chr20-32435855-G-T. GRCh37 (hg19) VCF-style: chr20-31023658-G-T.
Other names: c.2960G>T, p.Gly987Val (NM_001363734.1); short protein forms G1048V, G987V.
Identifiers: ClinVar variation 4158690 (VCV004158690.1).